The following is an entry in ClinVar:

NM_024529.5(CDC73):c.828+2dup

Gene: CDC73 (cell division cycle 73; plus strand). Cytogenetic location: 1q31.2.
Variant type: Duplication.
Coding change: c.828+2dup on transcript NM_024529.5 (MANE Select); the canonical splice donor site of the intron after coding-DNA position 828, one base duplicated (T; older notation c.828+2dupT).
Molecular consequence: splice donor variant.
Genome position (GRCh38, 1-based): chr1:193,147,967, T duplicated. VCF-style (leftmost placement, unchanged base first): chr1-193147966-G-GT. GRCh37 (hg19) VCF-style: chr1-193117096-G-GT.
Identifiers: ClinVar variation 1762733 (VCV001762733.3), dbSNP rs745604830, ClinGen allele CA34377882.

ClinVar aggregate classification (germline): Uncertain significance (1 of 4 stars; one submission).

Conditions:
Hereditary cancer-predisposing syndrome. Also called: Tumor predisposition; Hereditary Cancer Syndrome; Hereditary neoplastic syndrome; Neoplastic Syndromes, Hereditary. Identifiers: Orphanet 140162, MedGen C0027672, MeSH D009386, MONDO:0015356.

Submission:

Ambry Genetics
Classification: Uncertain significance for Hereditary cancer-predisposing syndrome. Last evaluated: 2026-02-03. Review status: criteria provided, single submitter. Criteria: Ambry Variant Classification Scheme 2023. Collection method: clinical testing. Allele origin: germline.
Comment: The c.828+2dupT intronic variant, results from a duplication of two nucleotides at nucleotide position 828 after intron 8 of the CDC73 gene. This nucleotide position is highly conserved in available vertebrate species. In silico splice site analysis predicts that this alteration will weaken the native splice donor site. Based on the available evidence, the clinical significance of this variant remains unclear.